The following is an entry in ClinVar:

NM_144997.7(FLCN):c.202A>C (p.Ser68Arg)

Gene: FLCN (folliculin; minus strand). Cytogenetic location: 17p11.2.
Variant type: single nucleotide variant.
Coding change: c.202A>C on transcript NM_144997.7 (MANE Select); coding-DNA position 202, A replaced by C.
Protein change: p.Ser68Arg; replaces serine 68 with arginine.
Molecular consequence: missense variant.
Genome position (GRCh38, 1-based): chr17:17,227,936, T>G on the plus strand (A>C on the coding strand, the complement: FLCN is on the minus strand). VCF-style: chr17-17227936-T-G. GRCh37 (hg19) VCF-style: chr17-17131250-T-G.
Other names: c.202A>C, p.Ser68Arg (NM_001353229.2, NM_001353230.2, NM_001353231.2 and 1 more transcripts); short protein forms S68R.
Identifiers: ClinVar variation 1519156 (VCV001519156.11), dbSNP rs587778365, ClinGen allele CA398535114.

ClinVar aggregate classification (germline): Uncertain significance. Review status: criteria provided, multiple submitters, no conflicts (2 of 4 stars). 4 submissions from 4 submitters: Uncertain significance (4). Last evaluated 2024-11-15.

Conditions:
Birt-Hogg-Dube syndrome. Also called: Birt Hogg Dubé syndrome. Identifiers: Orphanet 122, MedGen C0346010, MONDO:0800444.
Familial spontaneous pneumothorax (PSP). Identifiers: Orphanet 2903, MedGen C1868193, MONDO:0008259, OMIM 173600.
Colorectal cancer. Also called: Colorectal cancer, somatic; Malignant Colorectal Neoplasm. Identifiers: MedGen C0346629, MONDO:0005575, OMIM 114500.
17p11.2 microduplication syndrome (PTLS). Also called: CHROMOSOME 17p11.2 DUPLICATION SYNDROME; Potocki-Lupski syndrome; Duplication 17p11.2 syndrome; Potocki-Lupski syndrome (dup(17)(p11.2p11.2)). Identifiers: Orphanet 1713, MedGen C2931246, MONDO:0012574, OMIM 610883.
Nonpapillary renal cell carcinoma. Identifiers: Orphanet 422526, MedGen CN074294, MONDO:0007763, OMIM 144700.
Hereditary cancer-predisposing syndrome. Also called: Tumor predisposition; Hereditary neoplastic syndrome; Neoplastic Syndromes, Hereditary; Hereditary Cancer Syndrome. Identifiers: Orphanet 140162, MedGen C0027672, MeSH D009386, MONDO:0015356.

gnomAD v4.1: 4 of 1,614,132 alleles (0.00025%); highest among the groups gnomAD compares: Non-Finnish European, 0.00034%; no homozygotes.

Submissions (4):

Ambry Genetics
Classification: Uncertain significance for Hereditary cancer-predisposing syndrome. Last evaluated: 2024-11-15. Review status: criteria provided, single submitter. Criteria: Ambry Variant Classification Scheme 2023. Collection method: clinical testing. Allele origin: germline.
Comment: The p.S68R variant (also known as c.202A>C), located in coding exon 1 of the FLCN gene, results from an A to C substitution at nucleotide position 202. The serine at codon 68 is replaced by arginine, an amino acid with dissimilar properties. This amino acid position is well conserved in available vertebrate species. In addition, the in silico prediction for this alteration is inconclusive. Based on the available evidence, the clinical significance of this variant remains unclear.

Labcorp Genetics (formerly Invitae), Labcorp
Classification: Uncertain significance for Birt-Hogg-Dube syndrome. Last evaluated: 2024-10-01. Review status: criteria provided, single submitter. Criteria: Invitae Variant Classification Sherloc (09022015). Collection method: clinical testing. Allele origin: germline.
Comment: This sequence change replaces serine, which is neutral and polar, with arginine, which is basic and polar, at codon 68 of the FLCN protein (p.Ser68Arg). This variant is not present in population databases (gnomAD no frequency). This variant has not been reported in the literature in individuals affected with FLCN-related conditions. ClinVar contains an entry for this variant (Variation ID: 1519156). Invitae Evidence Modeling of protein sequence and biophysical properties (such as structural, functional, and spatial information, amino acid conservation, physicochemical variation, residue mobility, and thermodynamic stability) indicates that this missense variant is not expected to disrupt FLCN protein function with a negative predictive value of 80%. In summary, the available evidence is currently insufficient to determine the role of this variant in disease. Therefore, it has been classified as a Variant of Uncertain Significance.

Baylor Genetics
Classification: Uncertain significance for Birt-Hogg-Dube syndrome 1. Last evaluated: 2023-05-08. Review status: criteria provided, single submitter. Criteria: ACMG Guidelines, 2015. Collection method: clinical testing. Allele origin: unknown.

Fulgent Genetics
Classification: Uncertain significance for Colorectal cancer; Birt-Hogg-Dube syndrome 1; Nonpapillary renal cell carcinoma; Familial spontaneous pneumothorax; 17p11.2 microduplication syndrome. Last evaluated: 2021-07-28. Review status: criteria provided, single submitter. Criteria: ACMG Guidelines, 2015. Collection method: clinical testing. Allele origin: unknown.